The following is an entry in ClinVar:

NM_001164508.2(NEB):c.10687A>T (p.Lys3563Ter)

Gene: NEB (nebulin; minus strand). Cytogenetic location: 2q23.3.
Variant type: single nucleotide variant.
Coding change: c.10687A>T on transcript NM_001164508.2 (MANE Select); coding-DNA position 10687, A replaced by T.
Protein change: p.Lys3563Ter; replaces lysine 3563 with a stop codon.
Molecular consequence: nonsense.
Genome position (GRCh38, 1-based): chr2:151,619,636, T>A on the plus strand (A>T on the coding strand, the complement: NEB is on the minus strand). VCF-style: chr2-151619636-T-A. GRCh37 (hg19) VCF-style: chr2-152476150-T-A.
Other names: c.10687A>T, p.Lys3563Ter (NM_001164507.2, NM_001271208.2); c.9958A>T, p.Lys3320Ter (NM_004543.5); short protein forms K3320*, K3563*.
Identifiers: ClinVar variation 1076123 (VCV001076123.7), dbSNP rs1207279110, ClinGen allele CA348788369.
Genomic context (GRCh38, chr2:151,619,636, plus strand): 5'-AAACGATACCAAGCATGTCCACTGGGCTGCTGTACCTTGTCTTGTATTTCTCAAAATCTT[T>A]CTTGTACTCACGGTCACTCTGCACTTTGGCAATGTGGAGGGACCACATTATCTTGGGGTC-3'

ClinVar aggregate classification (germline): Pathogenic (1 of 4 stars; one submission).

Conditions:
Nemaline myopathy 2 (NEM2). Also called: Nemaline myopathy 2, autosomal recessive. Identifiers: MedGen C1850569, MONDO:0009725, OMIM 256030.

Submission:

Labcorp Genetics (formerly Invitae), Labcorp
Classification: Pathogenic for Nemaline myopathy 2. Last evaluated: 2024-09-05. Review status: criteria provided, single submitter. Criteria: Invitae Variant Classification Sherloc (09022015). Collection method: clinical testing. Allele origin: germline.
Comment: This sequence change creates a premature translational stop signal (p.Lys3563*) in the NEB gene. It is expected to result in an absent or disrupted protein product. Loss-of-function variants in NEB are known to be pathogenic (PMID: 25205138). This variant is not present in population databases (gnomAD no frequency). This variant has not been reported in the literature in individuals affected with NEB-related conditions. ClinVar contains an entry for this variant (Variation ID: 1076123). For these reasons, this variant has been classified as Pathogenic.

Literature cited by the submitters: PubMed 25205138.